The following is an entry in ClinVar:

NM_000138.5(FBN1):c.6464T>G (p.Phe2155Cys)

Gene: FBN1 (fibrillin 1; minus strand). Cytogenetic location: 15q21.1.
Variant type: single nucleotide variant.
Coding change: c.6464T>G on transcript NM_000138.5 (MANE Select); coding-DNA position 6464, T replaced by G.
Protein change: p.Phe2155Cys; replaces phenylalanine 2155 with cysteine.
Molecular consequence: missense variant.
Genome position (GRCh38, 1-based): chr15:48,436,993, A>C on the plus strand (T>G on the coding strand, the complement: FBN1 is on the minus strand). VCF-style: chr15-48436993-A-C. GRCh37 (hg19) VCF-style: chr15-48729190-A-C.
Other names: c.6464T>G, p.Phe2155Cys (NM_001406716.1); short protein forms F2155C.
Identifiers: ClinVar variation 3894407 (VCV003894407.1).
Genomic context (GRCh38, chr15:48,436,993, plus strand): 5'-TTCCTATGGAAGAAAACTTATTACTCACCTACACATTCATTCCCTGCTAGAATATAACCA[A>C]AGGGACACTCGCAGCGATAGGAACCATCTGTATTGATGCACTGTCCATGTTTACAGACAT-3'
Protein context (NP_000129.3, residues 2145-2165): TDGSYRCECP[Phe2155Cys]GYILAGNECV

ClinVar aggregate classification (germline): Uncertain significance (1 of 4 stars; one submission).

Conditions:
Familial thoracic aortic aneurysm and aortic dissection (TAAD). Also called: Thoracic aortic aneurysms and dissections. Identifiers: Orphanet 91387, MedGen C4707243, MONDO:0019625.

Submission:

Color Diagnostics, LLC DBA Color Health
Classification: Uncertain significance for Familial thoracic aortic aneurysm and aortic dissection. Last evaluated: 2024-10-28. Review status: criteria provided, single submitter. Criteria: ACMG Guidelines, 2015. Collection method: clinical testing. Allele origin: germline.
Comment: This missense variant replaces phenylalanine with cysteine at codon 2155 of the FBN1 protein. Computational prediction suggests that this variant may have deleterious impact on protein structure and function (internally defined REVEL score threshold >= 0.7, PMID: 27666373). To our knowledge, functional studies have not been reported for this variant. This variant has not been reported in individuals affected with FBN1-related disorders in the literature. This variant has not been identified in the general population by the Genome Aggregation Database (gnomAD). The available evidence is insufficient to determine the role of this variant in disease conclusively. Therefore, this variant is classified as a Variant of Uncertain Significance.